The following is an entry in ClinVar:

ClinVar aggregate classification (germline): Uncertain significance (1 of 4 stars; one submission).

Conditions:
RASopathy. Also called: Noonan spectrum disorder; rasopathies. Identifiers: Orphanet 536391, MedGen C5555857, MONDO:0021060.

Submission:

Labcorp Genetics (formerly Invitae), Labcorp
Classification: Uncertain significance for RASopathy. Last evaluated: 2023-08-03. Review status: criteria provided, single submitter. Criteria: Invitae Variant Classification Sherloc (09022015). Collection method: clinical testing. Allele origin: germline.
Comment: This sequence change replaces histidine, which is basic and polar, with aspartic acid, which is acidic and polar, at codon 442 of the SHOC2 protein (p.His442Asp). This variant is not present in population databases (gnomAD no frequency). This variant has not been reported in the literature in individuals affected with SHOC2-related conditions. Advanced modeling of protein sequence and biophysical properties (such as structural, functional, and spatial information, amino acid conservation, physicochemical variation, residue mobility, and thermodynamic stability) performed at Invitae indicates that this missense variant is not expected to disrupt SHOC2 protein function. In summary, the available evidence is currently insufficient to determine the role of this variant in disease. Therefore, it has been classified as a Variant of Uncertain Significance.

NM_007373.4(SHOC2):c.1324C>G (p.His442Asp)

Gene: SHOC2 (SHOC2 leucine rich repeat scaffold protein; plus strand). Cytogenetic location: 10q25.2.
Variant type: single nucleotide variant.
Coding change: c.1324C>G on transcript NM_007373.4 (MANE Select); coding-DNA position 1324, C replaced by G.
Protein change: p.His442Asp; replaces histidine 442 with aspartic acid.
Molecular consequence: missense variant. On other transcripts: non-coding transcript variant (1).
Genome position (GRCh38, 1-based): chr10:111,009,287, C>G. VCF-style: chr10-111009287-C-G. GRCh37 (hg19) VCF-style: chr10-112769045-C-G.
Other names: c.1186C>G, p.His396Asp (NM_001269039.3); c.1324C>G, p.His442Asp (NM_001324336.2, NM_001324337.2); short protein forms H396D, H442D.
Identifiers: ClinVar variation 2825582 (VCV002825582.3), dbSNP rs2493958395, ClinGen allele CA378523980.